The following is an entry in ClinVar:

NM_001042492.3(NF1):c.8033del (p.Leu2677_Leu2678insTer)

Gene: NF1 (neurofibromin 1; plus strand). Cytogenetic location: 17q11.2.
Variant type: Deletion.
Coding change: c.8033del on transcript NM_001042492.3 (MANE Select); coding-DNA position 8033, one base deleted (T; older notation c.8033delT).
Protein change: p.Leu2677_Leu2678insTer.
Molecular consequence: nonsense. On other transcripts: frameshift variant (1).
Genome position (GRCh38, 1-based): chr17:31,358,542, T deleted; the last of 2 consecutive T bases (chr17:31,358,541-31,358,542); deleting either gives the same sequence. VCF-style (leftmost placement, unchanged base first): chr17-31358540-GT-G. GRCh37 (hg19) VCF-style: chr17-29685558-GT-G.
Other names: c.7970delT (NM_000267.3); c.7970delT, p.Leu2657Terfs (NM_000267.4).
Identifiers: ClinVar variation 574267 (VCV000574267.5), dbSNP rs1567627755, ClinGen allele CA891843668.

ClinVar aggregate classification (germline): Pathogenic (1 of 4 stars; one submission).

Conditions:
Neurofibromatosis, type 1 (NF1). Also called: Peripheral type neurofibromatosis; VON RECKLINGHAUSEN DISEASE; Neurofibromatosis, type I; NEUROFIBROMATOSIS, TYPE I, SOMATIC. Identifiers: Orphanet 636, MedGen C0027831, MONDO:0018975, OMIM 162200. Disease mechanism: loss of function.

Submission:

Labcorp Genetics (formerly Invitae), Labcorp
Classification: Pathogenic for Neurofibromatosis, type 1. Last evaluated: 2023-01-30. Review status: criteria provided, single submitter. Criteria: Invitae Variant Classification Sherloc (09022015). Collection method: clinical testing. Allele origin: germline.
Comment: This sequence change creates a premature translational stop signal (p.Leu2657*) in the NF1 gene. It is expected to result in an absent or disrupted protein product. Loss-of-function variants in NF1 are known to be pathogenic (PMID: 10712197, 23913538). For these reasons, this variant has been classified as Pathogenic. ClinVar contains an entry for this variant (Variation ID: 574267). This premature translational stop signal has been observed in individual(s) with clinical features of neurofibromatosis (Invitae). This variant is not present in population databases (gnomAD no frequency).

Literature cited by the submitters: PubMed 10712197; PubMed 23913538.